The following is an entry in ClinVar:

NM_002137.4(HNRNPA2B1):c.812A>G (p.Tyr271Cys)

Gene: HNRNPA2B1 (heterogeneous nuclear ribonucleoprotein A2/B1; minus strand). Cytogenetic location: 7p15.2.
Variant type: single nucleotide variant.
Coding change: c.812A>G on transcript NM_002137.4 (MANE Select); coding-DNA position 812, A replaced by G.
Protein change: p.Tyr271Cys; replaces tyrosine 271 with cysteine.
Molecular consequence: missense variant. On other transcripts: intron variant (6).
Genome position (GRCh38, 1-based): chr7:26,193,604, T>C on the plus strand (A>G on the coding strand, the complement: HNRNPA2B1 is on the minus strand). VCF-style: chr7-26193604-T-C. GRCh37 (hg19) VCF-style: chr7-26233224-T-C.
Other names: c.812A>G, p.Tyr271Cys (NM_001438063.1, NM_001438571.1, NM_001438572.1); c.848A>G, p.Tyr283Cys (NM_001438568.1, NM_001438569.1, NM_001438570.1 and 1 more transcripts); c.722-231A>G (NM_001438578.1, NM_001438576.1, NM_001438575.1 and 1 more transcripts); c.758-231A>G (NM_001438574.1, NM_001438573.1); short protein forms Y271C, Y283C.
Identifiers: ClinVar variation 4812228 (VCV004812228.1).

ClinVar aggregate classification (germline): Uncertain significance (1 of 4 stars; one submission).

Conditions:
Inclusion body myopathy with early-onset Paget disease with or without frontotemporal dementia 2 (IBMPFD2). Also called: MULTISYSTEM PROTEINOPATHY 2. Identifiers: MedGen C3809468, MONDO:0014178, OMIM 615422.

Submission:

Labcorp Genetics (formerly Invitae), Labcorp
Classification: Uncertain significance for Inclusion body myopathy with early-onset Paget disease with or without frontotemporal dementia 2. Last evaluated: 2025-12-03. Review status: criteria provided, single submitter. Criteria: Invitae Variant Classification Sherloc (09022015). Collection method: clinical testing. Allele origin: germline.
Comment: This sequence change replaces tyrosine, which is neutral and polar, with cysteine, which is neutral and slightly polar, at codon 283 of the HNRNPA2B1 protein (p.Tyr283Cys). This variant is not present in population databases (gnomAD no frequency). This variant has not been reported in the literature in individuals affected with HNRNPA2B1-related conditions. Invitae Evidence Modeling of protein sequence and biophysical properties (such as structural, functional, and spatial information, amino acid conservation, physicochemical variation, residue mobility, and thermodynamic stability) indicates that this missense variant is not expected to disrupt HNRNPA2B1 protein function with a negative predictive value of 80%. In summary, the available evidence is currently insufficient to determine the role of this variant in disease. Therefore, it has been classified as a Variant of Uncertain Significance.